The following is an entry in ClinVar:

NM_020987.5(ANK3):c.902G>A (p.Gly301Asp)

Gene: ANK3 (ankyrin 3; minus strand). Cytogenetic location: 10q21.2.
Variant type: single nucleotide variant.
Coding change: c.902G>A on transcript NM_020987.5 (MANE Select); coding-DNA position 902, G replaced by A.
Protein change: p.Gly301Asp; replaces glycine 301 with aspartic acid.
Molecular consequence: missense variant.
Genome position (GRCh38, 1-based): chr10:60,213,506, C>T on the plus strand (G>A on the coding strand, the complement: ANK3 is on the minus strand). VCF-style: chr10-60213506-C-T. GRCh37 (hg19) VCF-style: chr10-61973264-C-T.
Other names: c.884G>A, p.Gly295Asp (NM_001204403.2); c.851G>A, p.Gly284Asp (NM_001204404.2); c.902G>A, p.Gly301Asp (NM_001320874.2); short protein forms G295D, G301D, G284D.
Identifiers: ClinVar variation 452995 (VCV000452995.2), dbSNP rs1555147037, ClinGen allele CA376985945.
Genomic context (GRCh38, chr10:60,213,506, plus strand): 5'-AGCAACATTTCTACCACCTGCTCGTGGCCACTCCTTGCTCCACAGTGCAGTGGTGTCAGA[C>T]CATCCTGTTGAACAAAGGAAACATCACCAATTAAATTTGACAATAAATTCTATGAGTGCA-3'
Protein context (NP_066267.2, residues 291-311): GAKIDAKTRD[Gly301Asp]LTPLHCGARS

ClinVar aggregate classification (germline): Uncertain significance (1 of 4 stars; one submission).

Submission:

GeneDx
Classification: Uncertain significance. Last evaluated: 2017-10-26. Review status: criteria provided, single submitter. Criteria: GeneDx Variant Classification (06012015). Collection method: clinical testing. Allele origin: germline. Affected: yes.
Comment: The G301D variant in the ANK3 gene has not been reported previously as a pathogenic variant, nor as a benign variant, to our knowledge. The G301D variant is not observed in large population cohorts (Lek et al., 2016). The G301D variant is a non-conservative amino acid substitution, which is likely to impact secondary protein structure as these residues differ in polarity, charge, size and/or other properties. This substitution occurs at a position that is conserved across species, and in silico analysis predicts this variant is probably damaging to the protein structure/function. We interpret G301D as a variant of uncertain significance.